The following is an entry in ClinVar:

NM_005902.4(SMAD3):c.596G>T (p.Ser199Ile)

Gene: SMAD3 (SMAD family member 3; plus strand). Cytogenetic location: 15q22.33.
Variant type: single nucleotide variant.
Coding change: c.596G>T on transcript NM_005902.4 (MANE Select); coding-DNA position 596, G replaced by T.
Protein change: p.Ser199Ile; replaces serine 199 with isoleucine.
Molecular consequence: missense variant.
Genome position (GRCh38, 1-based): chr15:67,166,842, G>T. VCF-style: chr15-67166842-G-T. GRCh37 (hg19) VCF-style: chr15-67459180-G-T.
Other names: c.281G>T, p.Ser94Ile (NM_001145102.2); c.464G>T, p.Ser155Ile (NM_001145103.2); c.11G>T, p.Ser4Ile (NM_001145104.2); short protein forms S155I, S199I, S4I, S94I.
Identifiers: ClinVar variation 1053066 (VCV001053066.7), dbSNP rs2140296884, ClinGen allele CA392954834.

ClinVar aggregate classification (germline): Uncertain significance (1 of 4 stars; one submission).

Conditions:
Familial thoracic aortic aneurysm and aortic dissection (TAAD). Also called: Thoracic aortic aneurysms and dissections. Identifiers: Orphanet 91387, MedGen C4707243, MONDO:0019625.

Submission:

Labcorp Genetics (formerly Invitae), Labcorp
Classification: Uncertain significance for Familial thoracic aortic aneurysm and aortic dissection. Last evaluated: 2020-01-20. Review status: criteria provided, single submitter. Criteria: Invitae Variant Classification Sherloc (09022015). Collection method: clinical testing. Allele origin: germline.
Comment: In summary, the available evidence is currently insufficient to determine the role of this variant in disease. Therefore, it has been classified as a Variant of Uncertain Significance. This variant has not been reported in the literature in individuals with SMAD3-related conditions. This sequence change replaces serine with isoleucine at codon 199 of the SMAD3 protein (p.Ser199Ile). The serine residue is highly conserved and there is a large physicochemical difference between serine and isoleucine. This variant is not present in population databases (ExAC no frequency). Algorithms developed to predict the effect of missense changes on protein structure and function are either unavailable or do not agree on the potential impact of this missense change (SIFT: "Not Available"; PolyPhen-2: "Benign"; Align-GVGD: "Not Available").